The following is an entry in ClinVar:

ClinVar aggregate classification (germline): Benign/Likely benign. Review status: criteria provided, multiple submitters, no conflicts (2 of 4 stars). 4 submissions from 4 submitters: Benign (2); Likely benign (2). Last evaluated 2026-02-01.

Conditions:
Complement component 5 deficiency. Also called: C5 DEFICIENCY. Identifiers: MedGen C0343047, MONDO:0012295, OMIM 609536.
Eculizumab, poor response to. Identifiers: MedGen C3810402, OMIM 615749.

Allele frequency attached by ClinVar (database versions not stated): gnomAD exomes 0.00042; ExAC 0.00046; 1000 Genomes Project 0.00100; 1000 Genomes Project 30x 0.00141; gnomAD 0.00157 and 0.00171; TOPMed 0.00172; ESP Exome Variant Server 0.00200.
gnomAD v4.1: 464 of 1,550,362 alleles (0.03%); highest among the groups gnomAD compares: African/African-American, 0.5%; 3 homozygotes.

Submissions (4):

Labcorp Genetics (formerly Invitae), Labcorp
Classification: Benign. Last evaluated: 2026-02-01. Review status: criteria provided, single submitter. Criteria: Invitae Variant Classification Sherloc (09022015). Collection method: clinical testing. Allele origin: germline.

Women's Health and Genetics/Laboratory Corporation of America, LabCorp
Classification: Benign. Last evaluated: 2024-09-25. Review status: criteria provided, single submitter. Criteria: LabCorp Variant Classification Summary - May 2015. Collection method: clinical testing. Allele origin: germline.
Comment: Variant summary: C5 c.2059+16T>A alters a non-conserved nucleotide located at a position not widely known to affect splicing. Consensus agreement among computation tools predict no significant impact on normal splicing. However, these predictions have yet to be confirmed by functional studies. The variant allele was found at a frequency of 0.00042 in 249638 control chromosomes. The observed variant frequency is approximately 3.76 fold of the estimated maximal expected allele frequency for a pathogenic variant in C5 causing C5 Deficiency phenotype (0.00011). To our knowledge, no occurrence of c.2059+16T>A in individuals affected with C5 Deficiency and no experimental evidence demonstrating its impact on protein function have been reported. ClinVar contains an entry for this variant (Variation ID: 1652212). Based on the evidence outlined above, the variant was classified as benign.

Blueprint Genetics
Classification: Likely benign. Last evaluated: 2024-02-12. Review status: criteria provided, single submitter. Criteria: ACMG Guidelines, 2015. Collection method: clinical testing. Allele origin: germline.

Fulgent Genetics
Classification: Likely benign for Complement component 5 deficiency; Eculizumab, poor response to. Last evaluated: 2021-08-09. Review status: criteria provided, single submitter. Criteria: ACMG Guidelines, 2015. Collection method: clinical testing. Allele origin: unknown.

NM_001735.3(C5):c.2059+16T>A

Gene: C5 (complement C5; minus strand). Cytogenetic location: 9q33.2.
Variant type: single nucleotide variant.
Coding change: c.2059+16T>A on transcript NM_001735.3 (MANE Select); 16 bases into the intron after coding-DNA position 2059, T replaced by A.
Molecular consequence: intron variant.
Genome position (GRCh38, 1-based): chr9:121,015,183, A>T on the plus strand (T>A on the coding strand, the complement: C5 is on the minus strand). VCF-style: chr9-121015183-A-T. GRCh37 (hg19) VCF-style: chr9-123777461-A-T.
Other names: c.2077+16T>A (NM_001317163.2); c.2059+16T>A (NM_001317164.2).
Identifiers: ClinVar variation 1652212 (VCV001652212.11), dbSNP rs199849879, ClinGen allele CA5217889.
Genomic context (GRCh38, chr9:121,015,183, plus strand): 5'-ATATAACATTTAATTTTGTCCAGTTTTTGAATGATATGACCATAACCTTTTTACAATCAC[A>T]TGAATCTTACAGTACCTATTTCTTCTATCTTCTTTTGCAGCGTTCTTCTTGGCCTGAGAA-3'